The following is an entry in ClinVar:

NM_002336.3(LRP6):c.2024G>A (p.Arg675Gln)

Gene: LRP6 (LDL receptor related protein 6; minus strand). Cytogenetic location: 12p13.2.
Variant type: single nucleotide variant.
Coding change: c.2024G>A on transcript NM_002336.3 (MANE Select); coding-DNA position 2024, G replaced by A.
Protein change: p.Arg675Gln; replaces arginine 675 with glutamine.
Molecular consequence: missense variant. On other transcripts: non-coding transcript variant (1), intron variant (1).
Genome position (GRCh38, 1-based): chr12:12,164,301, C>T on the plus strand (G>A on the coding strand, the complement: LRP6 is on the minus strand). VCF-style: chr12-12164301-C-T. GRCh37 (hg19) VCF-style: chr12-12317235-C-T.
Other names: c.2024G>A, p.Arg675Gln (NM_001414244.1, NM_001414245.1, NM_001414246.1 and 4 more transcripts); c.1826G>A, p.Arg609Gln (NM_001414247.1); c.1571G>A, p.Arg524Gln (NM_001414252.1, NM_001414253.1, NM_001414254.1); c.1546-1882G>A (NM_001414255.1); short protein forms R609Q, R524Q, R675Q.
Identifiers: ClinVar variation 4775667 (VCV004775667.1).

ClinVar aggregate classification (germline): Uncertain significance (1 of 4 stars; one submission).

gnomAD v4.1: 27 of 1,613,862 alleles (0.0017%); highest among the groups gnomAD compares: African/African-American, 0.004%; no homozygotes.

Submission:

Labcorp Genetics (formerly Invitae), Labcorp
Classification: Uncertain significance. Last evaluated: 2025-11-12. Review status: criteria provided, single submitter. Criteria: Invitae Variant Classification Sherloc (09022015). Collection method: clinical testing. Allele origin: germline.
Comment: This sequence change replaces arginine, which is basic and polar, with glutamine, which is neutral and polar, at codon 675 of the LRP6 protein (p.Arg675Gln). This variant is present in population databases (rs376188127, gnomAD 0.03%). This variant has not been reported in the literature in individuals affected with LRP6-related conditions. Invitae Evidence Modeling of protein sequence and biophysical properties (such as structural, functional, and spatial information, amino acid conservation, physicochemical variation, residue mobility, and thermodynamic stability) indicates that this missense variant is not expected to disrupt LRP6 protein function with a negative predictive value of 80%. In summary, the available evidence is currently insufficient to determine the role of this variant in disease. Therefore, it has been classified as a Variant of Uncertain Significance.